The following is an entry in ClinVar:

NM_020549.5(CHAT):c.418C>T (p.Gln140Ter)

Gene: CHAT (choline O-acetyltransferase; plus strand). Cytogenetic location: 10q11.23.
Variant type: single nucleotide variant.
Coding change: c.418C>T on transcript NM_020549.5 (MANE Select); coding-DNA position 418, C replaced by T.
Protein change: p.Gln140Ter; replaces glutamine 140 with a stop codon.
Molecular consequence: nonsense.
Genome position (GRCh38, 1-based): chr10:49,619,755, C>T. VCF-style: chr10-49619755-C-T. GRCh37 (hg19) VCF-style: chr10-50827801-C-T.
Other names: c.64C>T, p.Gln22Ter (NM_001142929.2, NM_001142934.2, NM_020984.4 and 2 more transcripts); c.172C>T, p.Gln58Ter (NM_001142933.2); short protein forms Q140*, Q22*, Q58*.
Identifiers: ClinVar variation 196498 (VCV000196498.8), dbSNP rs794727516, ClinGen allele CA275188.
Genomic context (GRCh38, chr10:49,619,755, plus strand): 5'-GGCACAATGCCTATGAACCCTTTCTTCCAGGGGCTGCCCAAACTGCCCGTGCCCCCGCTG[C>T]AGCAGACCCTGGCCACGTACCTGCAGTGCATGCGACACTTGGTGTCTGAGGAGCAGTTCA-3'

ClinVar aggregate classification (germline): Pathogenic. Review status: criteria provided, multiple submitters, no conflicts (2 of 4 stars). 2 submissions from 2 submitters: Pathogenic (2). Last evaluated 2023-03-19.

Conditions:
Familial infantile myasthenia (CMS6). Also called: MYASTHENIC SYNDROME, CONGENITAL, 6, PRESYNAPTIC; MYASTHENIC SYNDROME, PRESYNAPTIC, CONGENITAL, ASSOCIATED WITH EPISODIC APNEA; Congenital myasthenic syndrome type 6. Identifiers: Orphanet 590, MedGen C0393929, MONDO:0009689, OMIM 254210.

Submissions (2):

Labcorp Genetics (formerly Invitae), Labcorp
Classification: Pathogenic for Familial infantile myasthenia. Last evaluated: 2023-03-19. Review status: criteria provided, single submitter. Criteria: Invitae Variant Classification Sherloc (09022015). Collection method: clinical testing. Allele origin: germline.
Comment: For these reasons, this variant has been classified as Pathogenic. ClinVar contains an entry for this variant (Variation ID: 196498). This variant has not been reported in the literature in individuals affected with CHAT-related conditions. This variant is not present in population databases (gnomAD no frequency). This sequence change creates a premature translational stop signal (p.Gln140*) in the CHAT gene. It is expected to result in an absent or disrupted protein product. Loss-of-function variants in CHAT are known to be pathogenic (PMID: 12548525, 21786365, 23292760).

Eurofins Ntd Llc (ga)
Classification: Pathogenic. Last evaluated: 2015-03-31. Review status: criteria provided, single submitter. Criteria: EGL Classification Definitions 2015. Collection method: clinical testing. Allele origin: germline. Observed: 1 variant allele, 1 heterozygote.

Literature cited by the submitters: PubMed 12548525 (cited by Labcorp Genetics (formerly Invitae), Labcorp); PubMed 21786365 (cited by Labcorp Genetics (formerly Invitae), Labcorp); PubMed 23292760 (cited by Labcorp Genetics (formerly Invitae), Labcorp).